The following is an entry in ClinVar:

ClinVar aggregate classification (germline): Conflicting classifications of pathogenicity. Review status: criteria provided, conflicting classifications (1 of 4 stars). 6 submissions from 6 submitters: Uncertain significance (5); Likely benign (1). Last evaluated 2024-10-11.

Conditions:
Orofaciodigital syndrome type 6 (OFD6). Also called: OROFACIODIGITAL SYNDROME VI; OFDS VI; POLYDACTYLY, CLEFT LIP/PALATE OR LINGUAL LUMP, AND PSYCHOMOTOR RETARDATION; VARADI SYNDROME; VARADI-PAPP SYNDROME; Oral-facial-digital syndrome type 6. Identifiers: Orphanet 2754, MedGen C2745997, MONDO:0010176, OMIM 277170.
Joubert syndrome 17 (JBTS17). Identifiers: Orphanet 475, MedGen C3553264, MONDO:0013824, OMIM 614615.
Inborn genetic diseases. Identifiers: MedGen C0950123, MeSH D030342.

Allele frequency attached by ClinVar (database versions not stated): gnomAD 0.00003 and 0.00004; TOPMed 0.00004; ExAC 0.00005; gnomAD exomes 0.00005 and 0.00006; ESP Exome Variant Server 0.00008; 1000 Genomes Project 30x 0.00016; 1000 Genomes Project 0.00020.
gnomAD v4.1: 73 of 1,613,998 alleles (0.0045%); highest among the groups gnomAD compares: East Asian, 0.011%; no homozygotes.

Submissions (6):

Blueprint Genetics
Classification: Uncertain significance. Last evaluated: 2024-10-11. Review status: criteria provided, single submitter. Criteria: ACMG Guidelines, 2015. Collection method: clinical testing. Allele origin: germline.

GeneDx
Classification: Uncertain significance. Last evaluated: 2024-09-09. Review status: criteria provided, single submitter. Criteria: GeneDx Variant Classification Process June 2021. Collection method: clinical testing. Allele origin: germline. Affected: yes.
Comment: In silico analysis indicates that this missense variant does not alter protein structure/function; Has not been previously published as pathogenic or benign to our knowledge

Labcorp Genetics (formerly Invitae), Labcorp
Classification: Uncertain significance. Last evaluated: 2024-05-22. Review status: criteria provided, single submitter. Criteria: Invitae Variant Classification Sherloc (09022015). Collection method: clinical testing. Allele origin: germline.
Comment: This sequence change replaces threonine, which is neutral and polar, with isoleucine, which is neutral and non-polar, at codon 2385 of the CPLANE1 protein (p.Thr2385Ile). This variant is present in population databases (rs369361493, gnomAD 0.02%). This variant has not been reported in the literature in individuals affected with CPLANE1-related conditions. ClinVar contains an entry for this variant (Variation ID: 1392536). Advanced modeling of protein sequence and biophysical properties (such as structural, functional, and spatial information, amino acid conservation, physicochemical variation, residue mobility, and thermodynamic stability) performed at Invitae indicates that this missense variant is not expected to disrupt CPLANE1 protein function with a negative predictive value of 95%. In summary, the available evidence is currently insufficient to determine the role of this variant in disease. Therefore, it has been classified as a Variant of Uncertain Significance.

Fulgent Genetics
Classification: Uncertain significance for Orofaciodigital syndrome type 6; Joubert syndrome 17. Last evaluated: 2024-04-05. Review status: criteria provided, single submitter. Criteria: ACMG Guidelines, 2015. Collection method: clinical testing. Allele origin: germline.

Department of Pathology and Laboratory Medicine, Sinai Health System
Classification: Uncertain significance for Joubert syndrome 17. Last evaluated: 2023-05-06. Review status: criteria provided, single submitter. Criteria: ACMG Guidelines, 2015. Collection method: research. Allele origin: germline.

Ambry Genetics
Classification: Likely benign for Inborn genetic diseases. Last evaluated: 2021-08-02. Review status: criteria provided, single submitter. Criteria: Ambry Variant Classification Scheme 2023. Collection method: clinical testing. Allele origin: germline.

NM_001384732.1(CPLANE1):c.7154C>T (p.Thr2385Ile)

Gene: CPLANE1 (ciliogenesis and planar polarity effector complex subunit 1; minus strand). Cytogenetic location: 5p13.2.
Variant type: single nucleotide variant.
Coding change: c.7154C>T on transcript NM_001384732.1 (MANE Select); coding-DNA position 7154, C replaced by T.
Protein change: p.Thr2385Ile; replaces threonine 2385 with isoleucine.
Molecular consequence: missense variant.
Genome position (GRCh38, 1-based): chr5:37,168,870, G>A on the plus strand (C>T on the coding strand, the complement: CPLANE1 is on the minus strand). VCF-style: chr5-37168870-G-A. GRCh37 (hg19) VCF-style: chr5-37168972-G-A.
Other names: c.7154C>T, p.Thr2385Ile (NM_023073.4); short protein forms T2385I.
Identifiers: ClinVar variation 1392536 (VCV001392536.12), dbSNP rs369361493, ClinGen allele CA3238130.